The following is an entry in ClinVar:

NM_001903.5(CTNNA1):c.1628G>C (p.Gly543Ala)

Gene: CTNNA1 (catenin alpha 1; plus strand). Cytogenetic location: 5q31.2.
Variant type: single nucleotide variant.
Coding change: c.1628G>C on transcript NM_001903.5 (MANE Select); coding-DNA position 1628, G replaced by C.
Protein change: p.Gly543Ala; replaces glycine 543 with alanine.
Molecular consequence: missense variant.
Genome position (GRCh38, 1-based): chr5:138,924,591, G>C. VCF-style: chr5-138924591-G-C. GRCh37 (hg19) VCF-style: chr5-138260280-G-C.
Other names: c.1628G>C, p.Gly543Ala (NM_001290307.3, NM_001323982.2, NM_001323983.1 and 2 more transcripts); c.1319G>C, p.Gly440Ala (NM_001290309.3); c.1259G>C, p.Gly420Ala (NM_001290310.3); c.518G>C, p.Gly173Ala (NM_001290312.1, NM_001323991.1, NM_001323992.1 and 17 more transcripts); c.1535G>C, p.Gly512Ala (NM_001323986.2); c.179G>C, p.Gly60Ala (NM_001324006.1, NM_001324007.1, NM_001324008.1 and 2 more transcripts); c.425G>C, p.Gly142Ala (NM_001324011.1); c.275G>C, p.Gly92Ala (NM_001324012.1, NM_001324013.1); short protein forms G420A, G440A, G60A, G173A, G512A, G142A, G543A, G92A.
Identifiers: ClinVar variation 2895109 (VCV002895109.3), dbSNP rs2533709932, ClinGen allele CA361131856.
Genomic context (GRCh38, chr5:138,924,591, plus strand): 5'-TGAACAAATGTGTCATTGCTCTCCAAGAGAAGGATGTGGATGGCCTGGACCGCACAGCTG[G>C]TGCAATTCGAGGCCGGGCAGCCCGGGTCATTCACGTAGTCACCTCAGAGATGGACAACTA-3'
Protein context (NP_001894.2, residues 533-553): KDVDGLDRTA[Gly543Ala]AIRGRAARVI

ClinVar aggregate classification (germline): Uncertain significance (1 of 4 stars; one submission).

Submission:

Labcorp Genetics (formerly Invitae), Labcorp
Classification: Uncertain significance. Last evaluated: 2023-03-03. Review status: criteria provided, single submitter. Criteria: Invitae Variant Classification Sherloc (09022015). Collection method: clinical testing. Allele origin: germline.
Comment: This variant has not been reported in the literature in individuals affected with CTNNA1-related conditions. In summary, the available evidence is currently insufficient to determine the role of this variant in disease. Therefore, it has been classified as a Variant of Uncertain Significance. Advanced modeling of protein sequence and biophysical properties (such as structural, functional, and spatial information, amino acid conservation, physicochemical variation, residue mobility, and thermodynamic stability) performed at Invitae indicates that this missense variant is not expected to disrupt CTNNA1 protein function. This variant is not present in population databases (gnomAD no frequency). This sequence change replaces glycine, which is neutral and non-polar, with alanine, which is neutral and non-polar, at codon 543 of the CTNNA1 protein (p.Gly543Ala).